The following is an entry in ClinVar:

ClinVar aggregate classification (germline): Uncertain significance (1 of 4 stars; one submission).

Conditions:
MHC class II deficiency. Also called: Bare lymphocyte syndrome 2; BLS, TYPE II. Identifiers: Orphanet 572, MedGen C5447452, MONDO:0008855.

Submission:

Labcorp Genetics (formerly Invitae), Labcorp
Classification: Uncertain significance for MHC class II deficiency. Last evaluated: 2024-12-09. Review status: criteria provided, single submitter. Criteria: Invitae Variant Classification Sherloc (09022015). Collection method: clinical testing. Allele origin: germline.
Comment: This sequence change replaces leucine, which is neutral and non-polar, with methionine, which is neutral and non-polar, at codon 45 of the CIITA protein (p.Leu45Met). This variant is present in population databases (rs2229317, gnomAD 0.003%). This variant has not been reported in the literature in individuals affected with CIITA-related conditions. ClinVar contains an entry for this variant (Variation ID: 2156830). An algorithm developed to predict the effect of missense changes on protein structure and function (PolyPhen-2) suggests that this variant is likely to be disruptive. In summary, the available evidence is currently insufficient to determine the role of this variant in disease. Therefore, it has been classified as a Variant of Uncertain Significance.

NM_000246.4(CIITA):c.133C>A (p.Leu45Met)

Gene: CIITA (class II major histocompatibility complex transactivator; plus strand). Cytogenetic location: 16p13.13.
Variant type: single nucleotide variant.
Coding change: c.133C>A on transcript NM_000246.4 (MANE Select); coding-DNA position 133, C replaced by A.
Protein change: p.Leu45Met; replaces leucine 45 with methionine.
Molecular consequence: missense variant. On other transcripts: non-coding transcript variant (1).
Genome position (GRCh38, 1-based): chr16:10,895,362, C>A. VCF-style: chr16-10895362-C-A. GRCh37 (hg19) VCF-style: chr16-10989219-C-A.
Other names: c.133C>A, p.Leu45Met (NM_001286402.1, NM_001286403.2, NM_001379330.1 and 3 more transcripts); c.61C>A, p.Leu21Met (NM_001379334.1); short protein forms L45M, L21M.
Identifiers: ClinVar variation 2156830 (VCV002156830.3), dbSNP rs2229317, ClinGen allele CA7899576.
Genomic context (GRCh38, chr16:10,895,362, plus strand): 5'-ATGGAGTTGGGGCCCCTAGAAGGTGGCTACCTGGAGCTTCTTAACAGCGATGCTGACCCC[C>A]TGTGCCTCTACCACTTCTATGACCAGATGGACCTGGCTGGAGAAGAAGAGATTGAGCTCT-3'
Protein context (NP_000237.2, residues 35-55): LELLNSDADP[Leu45Met]CLYHFYDQMD